The following is an entry in ClinVar:

NM_015100.4(POGZ):c.456G>A (p.Thr152=)

Gene: POGZ (pogo transposable element derived with ZNF domain; minus strand). Cytogenetic location: 1q21.3.
Variant type: single nucleotide variant.
Coding change: c.456G>A on transcript NM_015100.4 (MANE Select); coding-DNA position 456, G replaced by A.
Protein change: p.Thr152=; no amino-acid change (threonine 152 retained).
Molecular consequence: synonymous variant. On other transcripts: intron variant (1).
Genome position (GRCh38, 1-based): chr1:151,430,669, C>T on the plus strand (G>A on the coding strand, the complement: POGZ is on the minus strand). VCF-style: chr1-151430669-C-T. GRCh37 (hg19) VCF-style: chr1-151403145-C-T.
Other names: c.456G>A, p.Thr152= (NM_001194937.2); c.297G>A, p.Thr99= (NM_001194938.2, NM_207171.2); c.477G>A, p.Thr159= (NM_001410860.1); c.284-2256G>A (NM_145796.4).
Identifiers: ClinVar variation 2639178 (VCV002639178.24), dbSNP rs774330992, ClinGen allele CA1091651.

ClinVar aggregate classification (germline): Likely benign (1 of 4 stars; one submission).

Allele frequency attached by ClinVar (database versions not stated): TOPMed 0.00001; gnomAD 0.00002; gnomAD exomes 0.00002; ExAC 0.00003.
gnomAD v4.1: 36 of 1,603,954 alleles (0.0022%); highest among the groups gnomAD compares: Middle Eastern, 0.049%; no homozygotes.

Submission:

CeGaT Center for Human Genetics Tuebingen
Classification: Likely benign. Last evaluated: 2023-01-01. Review status: criteria provided, single submitter. Criteria: CeGaT Center For Human Genetics Tuebingen Variant Classification Criteria Version 2. Collection method: clinical testing. Allele origin: germline. Affected: yes. Observed: 1 variant allele.
Comment: POGZ: BP4, BP7